The following is an entry in ClinVar:

NM_000059.4(BRCA2):c.5344C>T (p.Gln1782Ter)

Gene: BRCA2 (BRCA2 DNA repair associated; plus strand). Cytogenetic location: 13q13.1.
Variant type: single nucleotide variant.
Coding change: c.5344C>T on transcript NM_000059.4 (MANE Select); coding-DNA position 5344, C replaced by T.
Protein change: p.Gln1782Ter; replaces glutamine 1782 with a stop codon.
Molecular consequence: nonsense.
Genome position (GRCh38, 1-based): chr13:32,339,699, C>T. VCF-style: chr13-32339699-C-T. GRCh37 (hg19) VCF-style: chr13-32913836-C-T.
Other names: 5572C>T; NP_000050.3:p.Gln1782Ter; short protein forms Q1782*.
Identifiers: ClinVar variation 51842 (VCV000051842.33), dbSNP rs80358757, ClinGen allele CA022075.
Genomic context (GRCh38, chr13:32,339,699, plus strand): 5'-TATCTCTCAAAAAATAAACTTGATTCTGGTATTGAGCCAGTATTGAAGAATGTTGAAGAT[C>T]AAAAAAACACTAGTTTTTCCAAAGTAATATCCAATGTAAAAGATGCAAATGCATACCCAC-3'

ClinVar aggregate classification (germline): Pathogenic. Review status: reviewed by expert panel (3 of 4 stars). 12 submissions from 12 submitters: Pathogenic (1). 11 of the submissions do not count toward it. Last evaluated 2016-04-22.

Conditions:
BRCA2-related cancer predisposition. Identifiers: MedGen CN377758, MONDO:0700269.
Pancreatic cancer, susceptibility to, 2. Identifiers: Orphanet 1333, MedGen C3150546, MONDO:0013235, OMIM 613347.
Glioma susceptibility 3 (GLM3). Also called: Glioblastoma 3. Identifiers: Orphanet 182067, Orphanet 360, MedGen C2751641, MONDO:0013093, OMIM 613029.
Familial prostate cancer. Also called: Hereditary Prostate Cancer. Identifiers: MedGen C2931456, MONDO:0700275, OMIM 176807.
Breast-ovarian cancer, familial, susceptibility to, 2 (BROVCA2). Also called: BRCA2 Hereditary Breast and Ovarian Cancer. Identifiers: Orphanet 145, MedGen C2675520, MONDO:0012933, OMIM 612555. Disease mechanism: loss of function.
Fanconi anemia complementation group D1. Also called: BRCA2-Related Fanconi Anemia. Identifiers: Orphanet 319462, MedGen C1838457, MONDO:0011584, OMIM 605724.
Medulloblastoma (MDB). Also called: Medulloblastoma, somatic; MEDULLOBLASTOMA PREDISPOSITION SYNDROME. Identifiers: Orphanet 616, MedGen C0025149, MeSH D008527, MONDO:0007959, OMIM 155255, HP:0002885.
Wilms tumor 1 (WT1). Also called: Wilms tumor, somatic. Identifiers: Orphanet 654, MedGen CN033288, MONDO:0008679, OMIM 194070.
Familial cancer of breast. Also called: BREAST CANCER, FAMILIAL; hereditary breast carcinoma; Hereditary breast cancer. Identifiers: Orphanet 227535, MedGen C0346153, MONDO:0016419, OMIM 114480. Disease mechanism: loss of function.
Hereditary cancer-predisposing syndrome. Also called: Neoplastic Syndromes, Hereditary; Tumor predisposition; Hereditary Cancer Syndrome; Hereditary neoplastic syndrome. Identifiers: Orphanet 140162, MedGen C0027672, MeSH D009386, MONDO:0015356.
Hereditary breast ovarian cancer syndrome. Also called: Breast and ovarian cancer; Hereditary breast and ovarian cancer; Hereditary breast and ovarian cancer syndrome (HBOC); Hereditary breast and ovarian cancer syndrome; BRCA1- and BRCA2-Associated Hereditary Breast and Ovarian Cancer; Hereditary breast and/or ovarian cancer syndrome. Identifiers: Orphanet 145, MedGen C0677776, MeSH D061325, MONDO:0003582. Disease mechanism: loss of function.

Submissions (12):

Evidence-based Network for the Interpretation of Germline Mutant Alleles (ENIGMA)
Classification: Pathogenic for Breast-ovarian cancer, familial, susceptibility to, 2. Last evaluated: 2016-04-22. Review status: reviewed by expert panel. Criteria: ENIGMA BRCA1/2 Classification Criteria (2015). Collection method: curation. Allele origin: germline.
Comment: Variant allele predicted to encode a truncated non-functional protein.

Labcorp Genetics (formerly Invitae), Labcorp
Classification: Pathogenic for Hereditary breast ovarian cancer syndrome. Last evaluated: 2025-12-13. Review status: criteria provided, single submitter. Criteria: Invitae Variant Classification Sherloc (09022015). Collection method: clinical testing. Allele origin: germline. Not counted in ClinVar's aggregate classification.
Comment: This sequence change creates a premature translational stop signal (p.Gln1782*) in the BRCA2 gene. It is expected to result in an absent or disrupted protein product. Loss-of-function variants in BRCA2 are known to be pathogenic (PMID: 20104584). This variant is not present in population databases (gnomAD no frequency). This premature translational stop signal has been observed in individual(s) with ovarian cancer and an increased risk of breast and/or ovarian cancer (PMID: 17148771, 29446198). This variant is also known as 5572C>T. ClinVar contains an entry for this variant (Variation ID: 51842). For these reasons, this variant has been classified as Pathogenic.

Molecular Pathology, Peter Maccallum Cancer Centre
Classification: Pathogenic for Breast-ovarian cancer, familial, susceptibility to, 2. Last evaluated: 2024-09-12. Review status: criteria provided, single submitter. Criteria: ACMG Guidelines, 2015. Collection method: clinical testing. Allele origin: germline. Inheritance: Autosomal dominant inheritance. Not counted in ClinVar's aggregate classification.

Fulgent Genetics
Classification: Pathogenic for Familial cancer of breast; Medulloblastoma; Familial prostate cancer; Wilms tumor 1; Fanconi anemia complementation group D1; Breast-ovarian cancer, familial, susceptibility to, 2; Glioma susceptibility 3; Pancreatic cancer, susceptibility to, 2. Last evaluated: 2024-03-13. Review status: criteria provided, single submitter. Criteria: ACMG Guidelines, 2015. Collection method: clinical testing. Allele origin: germline. Not counted in ClinVar's aggregate classification.

Baylor Genetics
Classification: Pathogenic for Familial cancer of breast. Last evaluated: 2023-11-22. Review status: criteria provided, single submitter. Criteria: ACMG Guidelines, 2015. Collection method: clinical testing. Allele origin: unknown. Not counted in ClinVar's aggregate classification.

Ambry Genetics
Classification: Pathogenic for Hereditary cancer-predisposing syndrome. Last evaluated: 2022-11-22. Review status: criteria provided, single submitter. Criteria: Ambry Variant Classification Scheme 2023. Collection method: clinical testing. Allele origin: germline. Not counted in ClinVar's aggregate classification.
Comment: The p.Q1782* pathogenic mutation (also known as c.5344C>T), located in coding exon 10 of the BRCA2 gene, results from a C to T substitution at nucleotide position 5344. This changes the amino acid from a glutamine to a stop codon within coding exon 10. This alteration has been identified in individuals diagnosed with breast, pancreatic and/or ovarian cancer (Zhang S et al. Gynecol Oncol, 2011 May;121:353-7; Xiong A et al. Am J Cancer Res, 2021 Sep;11:4551-4567; Van der Merwe NC et al. Front Genet, 2022 Apr;13:834265). This alteration was also identified in a large, worldwide study of BRCA1/2 mutation positive families (Rebbeck TR et al. Hum Mutat, 2018 05;39:593-620). Of note, this alteration is also known as 5572C>T in published literature. This variant is considered to be rare based on population cohorts in the Genome Aggregation Database (gnomAD). In addition to the clinical data presented in the literature, this alteration is expected to result in loss of function by premature protein truncation or nonsense-mediated mRNA decay. As such, this alteration is interpreted as a disease-causing mutation.

National Health Laboratory Service, Universitas Academic Hospital and University of the Free State
Classification: Pathogenic for Hereditary breast ovarian cancer syndrome. Last evaluated: 2021-11-16. Review status: criteria provided, single submitter. Criteria: ACMG Guidelines, 2015. Collection method: clinical testing. Allele origin: germline. Affected: yes. Observed: 1 variant allele. Not counted in ClinVar's aggregate classification.

Department of Pathology and Laboratory Medicine, Sinai Health System
Classification: Pathogenic for BRCA2-related cancer predisposition. Last evaluated: 2021-02-03. Review status: criteria provided, single submitter. Criteria: ACMG Guidelines, 2015. Collection method: clinical testing. Allele origin: germline. Affected: yes. Not counted in ClinVar's aggregate classification.

Consortium of Investigators of Modifiers of BRCA1/2 (CIMBA), c/o University of Cambridge
Classification: Pathogenic for Breast-ovarian cancer, familial, susceptibility to, 2. Last evaluated: 2015-10-02. Review status: criteria provided, single submitter. Criteria: CIMBA Mutation Classification guidelines May 2016. Collection method: clinical testing. Allele origin: germline. Not counted in ClinVar's aggregate classification.

Juno Genomics, Hangzhou Juno Genomics, Inc
Classification: Pathogenic for Familial cancer of breast; Breast-ovarian cancer, familial, susceptibility to, 2; Glioma susceptibility 3; Medulloblastoma; Pancreatic cancer, susceptibility to, 2; Familial prostate cancer; Fanconi anemia complementation group D1; Wilms tumor 1. Review status: criteria provided, single submitter. Criteria: ACMG Guidelines, 2015. Collection method: clinical testing. Allele origin: germline. Not counted in ClinVar's aggregate classification.
Comment: Null variant in a gene where loss of function (LOF) is a known mechanism of disease.;Absent from controls (or at extremely low frequency if recessive) in Genome Aggregation Database.;The prevalence of the variant in affected individuals is significantly increased compared to the prevalence in controls.

Research Molecular Genetics Laboratory, Women's College Hospital, University of Toronto
Classification: Pathogenic for Hereditary breast ovarian cancer syndrome. Last evaluated: 2014-01-31. Review status: no assertion criteria provided. Collection method: research. Allele origin: germline. Affected: yes. Study: The Canadian Open Genetics Repository (COGR). Not counted in ClinVar's aggregate classification.

Breast Cancer Information Core (BIC) (BRCA2)
Classification: Pathogenic for Breast-ovarian cancer, familial 2. Last evaluated: 2003-12-23. Review status: no assertion criteria provided. Collection method: clinical testing. Allele origin: germline. Affected: yes. Observed: 1 variant allele. Not counted in ClinVar's aggregate classification.

Literature cited by the submitters: PubMed 20104584 (cited by Labcorp Genetics (formerly Invitae), Labcorp); PubMed 17148771 (cited by Labcorp Genetics (formerly Invitae), Labcorp); PubMed 29446198 (cited by Labcorp Genetics (formerly Invitae), Labcorp and Ambry Genetics); PubMed 21324516 (cited by Ambry Genetics); PubMed 34659905 (cited by Ambry Genetics); PubMed 35464868 (cited by Ambry Genetics); DOI 10.3389/fgene.2022.834265 (cited by National Health Laboratory Service, Universitas Academic Hospital and University of the Free State).